The following is an entry in ClinVar:

ClinVar aggregate classification (germline): Uncertain significance. Review status: criteria provided, multiple submitters, no conflicts (2 of 4 stars). 3 submissions from 3 submitters: Uncertain significance (2). 1 of the submissions does not count toward it. Last evaluated 2023-07-14.

Conditions:
Hereditary cancer-predisposing syndrome. Also called: Neoplastic Syndromes, Hereditary; Tumor predisposition; Hereditary neoplastic syndrome; Hereditary Cancer Syndrome. Identifiers: Orphanet 140162, MedGen C0027672, MeSH D009386, MONDO:0015356.

Allele frequency attached by ClinVar (database versions not stated): gnomAD 0.00001; gnomAD exomes 0.00001.
gnomAD v4.1: 11 of 1,613,654 alleles (0.00068%); highest among the groups gnomAD compares: Non-Finnish European, 0.00093%; no homozygotes.

Submissions (3):

Labcorp Genetics (formerly Invitae), Labcorp
Classification: Uncertain significance. Last evaluated: 2023-07-14. Review status: criteria provided, single submitter. Criteria: Invitae Variant Classification Sherloc (09022015). Collection method: clinical testing. Allele origin: germline.
Comment: Experimental studies are conflicting or provide insufficient evidence to determine the effect of this variant on XRCC2 function (PMID: 27233470). In summary, the available evidence is currently insufficient to determine the role of this variant in disease. Therefore, it has been classified as a Variant of Uncertain Significance. Advanced modeling of protein sequence and biophysical properties (such as structural, functional, and spatial information, amino acid conservation, physicochemical variation, residue mobility, and thermodynamic stability) performed at Invitae indicates that this missense variant is expected to disrupt XRCC2 protein function. ClinVar contains an entry for this variant (Variation ID: 823971). This missense change has been observed in individual(s) with breast and/or ovarian cancer (PMID: 29255180). This variant is present in population databases (no rsID available, gnomAD 0.007%). This sequence change replaces cysteine, which is neutral and slightly polar, with tyrosine, which is neutral and polar, at codon 120 of the XRCC2 protein (p.Cys120Tyr).

Ambry Genetics
Classification: Uncertain significance for Hereditary cancer-predisposing syndrome. Last evaluated: 2019-09-20. Review status: criteria provided, single submitter. Criteria: Ambry Variant Classification Scheme 2023. Collection method: clinical testing. Allele origin: germline.
Comment: The p.C120Y variant (also known as c.359G>A), located in coding exon 3 of the XRCC2 gene, results from a G to A substitution at nucleotide position 359. The cysteine at codon 120 is replaced by tyrosine, an amino acid with highly dissimilar properties. In a study of over 3500 breast cancer families who did not carry BRCA1 or BRCA2 pathogenic variants and over 1400 healthy controls, the p.C120Y variant was detected only in one healthy control individual (Hilbers FS et al. J. Med. Genet. 2012 Oct;49:618-20). The p.C120Y variant was observed to rescue about 60% of the homologous recombination (HR) function in HR-deficient human cells while most missense variants showed considerably higher level (upto 97%) (Hilbers FS et al. Hum. Mutat. 2016 09;37:914-25). This amino acid position is highly conserved in available vertebrate species. In addition, this alteration is predicted to be deleterious by in silico analysis.Since supporting evidence is limited at this time, the clinical significance of this alteration remains unclear.

Leiden Open Variation Database
Classification: Uncertain significance. Last evaluated: 2016-04-14. Review status: no assertion criteria provided. Collection method: curation. Allele origin: germline. Affected: yes. Not counted in ClinVar's aggregate classification.
Comment: Curator: Arleen D. Auerbach. Submitter to LOVD: Florentine Hilbers.

Literature cited by the submitters: PubMed 27233470 (cited by Labcorp Genetics (formerly Invitae), Labcorp and Ambry Genetics); PubMed 29255180 (cited by Labcorp Genetics (formerly Invitae), Labcorp); PubMed 23054243 (cited by Ambry Genetics and Leiden Open Variation Database).

NM_005431.2(XRCC2):c.359G>A (p.Cys120Tyr)

Gene: XRCC2 (X-ray repair cross complementing 2; minus strand). Cytogenetic location: 7q36.1.
Variant type: single nucleotide variant.
Coding change: c.359G>A on transcript NM_005431.2 (MANE Select); coding-DNA position 359, G replaced by A.
Protein change: p.Cys120Tyr; replaces cysteine 120 with tyrosine.
Molecular consequence: missense variant.
Genome position (GRCh38, 1-based): chr7:152,649,126, C>T on the plus strand (G>A on the coding strand, the complement: XRCC2 is on the minus strand). VCF-style: chr7-152649126-C-T. GRCh37 (hg19) VCF-style: chr7-152346211-C-T.
Other names: short protein forms C120Y.
Identifiers: ClinVar variation 823971 (VCV000823971.14), dbSNP rs1432878196, ClinGen allele CA370198872.